The following is an entry in ClinVar:

ClinVar aggregate classification (germline): Pathogenic (1 of 4 stars; one submission).

Conditions:
Primary ciliary dyskinesia 3. Identifiers: Orphanet 244, MedGen C1837618, MONDO:0012085, OMIM 608644.

Submission:

Myriad Genetics, Inc.
Classification: Pathogenic for Primary ciliary dyskinesia 3. Last evaluated: 2024-05-14. Review status: criteria provided, single submitter. Criteria: Myriad Autosomal Dominant, Autosomal Recessive and X-Linked Classification Criteria (2023). Collection method: clinical testing. Allele origin: unknown.
Comment: NM_001369.2(DNAH5):c.9864dupA(P3289Tfs*52) is expected to be pathogenic in the context of primary ciliary dyskinesia, DNAH5-related. This variant is predicted to lead to an abnormal or absent protein product due to the creation of a premature termination codon in DNAH5, a gene where loss-of-function variants are known to be pathogenic. Please note: this variant was assessed in the context of healthy population screening.

NM_001369.3(DNAH5):c.9864dup (p.Pro3289fs)

Gene: DNAH5 (dynein axonemal heavy chain 5; minus strand). Cytogenetic location: 5p15.2.
Variant type: Duplication.
Coding change: c.9864dup on transcript NM_001369.3 (MANE Select); coding-DNA position 9864, one base duplicated (A; older notation c.9864dupA).
Protein change: p.Pro3289fs; shifts the reading frame from proline 3289.
Molecular consequence: frameshift variant.
Genome position (GRCh38, 1-based): chr5:13,768,993, T duplicated on the plus strand (A on the coding strand, the reverse complement: DNAH5 is on the minus strand); the first of 4 consecutive T bases (chr5:13,768,993-13,768,996); duplicating any one gives the same sequence. VCF-style (leftmost placement, unchanged base first): chr5-13768992-G-GT. GRCh37 (hg19) VCF-style: chr5-13769101-G-GT.
Other names: short protein forms P3289fs.
Identifiers: ClinVar variation 5012437 (VCV005012437.1).
Genomic context (GRCh38, chr5:13,768,992, plus strand): 5'-TGACATCTGTTATATCACATAGATGCACCTGCAATGCAGCTTCTGCCTCTTCTAAAGCTG[G>GT]TTTTGCTGCTTCCAGTTTTTCTTCAGCAATGGCTTTGTCTTTAGAGATGCTGTCCACAAT-3'